The following is an entry in ClinVar:

ClinVar aggregate classification (germline): Uncertain significance (1 of 4 stars; one submission).

Conditions:
Hereditary spastic paraplegia 11. Also called: Nakamura Osame syndrome; Autosomal recessive hereditary spastic paraplegia, mental impairment, and thin corpus callosum; Spastic paraplegia, mental retardation and thin corpus callosum; SPASTIC PARAPLEGIA, AUTOSOMAL RECESSIVE, COMPLICATED, WITH THIN CORPUS CALLOSUM; SPASTIC PARAPLEGIA, AUTOSOMAL RECESSIVE, WITH MENTAL IMPAIRMENT AND THIN CORPUS CALLOSUM; Spastic Paraplegia 11. Identifiers: Orphanet 2822, MedGen C1858479, MONDO:0011445, OMIM 604360.

Submission:

Labcorp Genetics (formerly Invitae), Labcorp
Classification: Uncertain significance for Hereditary spastic paraplegia 11. Last evaluated: 2022-08-13. Review status: criteria provided, single submitter. Criteria: Invitae Variant Classification Sherloc (09022015). Collection method: clinical testing. Allele origin: germline.
Comment: In summary, the available evidence is currently insufficient to determine the role of this variant in disease. Therefore, it has been classified as a Variant of Uncertain Significance. Algorithms developed to predict the effect of missense changes on protein structure and function are either unavailable or do not agree on the potential impact of this missense change (SIFT: "Tolerated"; PolyPhen-2: "Probably Damaging"; Align-GVGD: "Class C0"). This variant has not been reported in the literature in individuals affected with SPG11-related conditions. This variant is present in population databases (rs780706613, gnomAD 0.003%). This sequence change replaces leucine, which is neutral and non-polar, with phenylalanine, which is neutral and non-polar, at codon 1153 of the SPG11 protein (p.Leu1153Phe).

NM_025137.4(SPG11):c.3459A>C (p.Leu1153Phe)

Gene: SPG11 (SPG11 vesicle trafficking associated, spatacsin; minus strand). Cytogenetic location: 15q21.1.
Variant type: single nucleotide variant.
Coding change: c.3459A>C on transcript NM_025137.4 (MANE Select); coding-DNA position 3459, A replaced by C.
Protein change: p.Leu1153Phe; replaces leucine 1153 with phenylalanine.
Molecular consequence: missense variant.
Genome position (GRCh38, 1-based): chr15:44,606,086, T>G on the plus strand (A>C on the coding strand, the complement: SPG11 is on the minus strand). VCF-style: chr15-44606086-T-G. GRCh37 (hg19) VCF-style: chr15-44898284-T-G.
Other names: c.3459A>C, p.Leu1153Phe (NM_001160227.2, NM_001411132.1); short protein forms L1153F.
Identifiers: ClinVar variation 1714399 (VCV001714399.5), dbSNP rs780706613, ClinGen allele CA7534959.
Genomic context (GRCh38, chr15:44,606,086, plus strand): 5'-TCCTATAGCTAGTGTGTTAGCAGACTGCCAGCCAAACAATCTGCTAGGATCAAAGGGTGA[T>G]AATGACTGAAAAAGGGGAAAAGTTAAACAGAATTAGAAGTTCACTGATTATAAAATAGGT-3'
Protein context (NP_079413.3, residues 1143-1163): DITIYHLIQS[Leu1153Phe]SPFDPSRLFG